The following is an entry in ClinVar:

ClinVar aggregate classification (germline): Uncertain significance. Review status: criteria provided, multiple submitters, no conflicts (2 of 4 stars). 2 submissions from 2 submitters: Uncertain significance (2). Last evaluated 2025-08-20.

Conditions:
Inborn genetic diseases. Identifiers: MedGen C0950123, MeSH D030342.

Allele frequency attached by ClinVar (database versions not stated): TOPMed 0.00001; gnomAD exomes below 0.00001; gnomAD 0.00002.

Submissions (2):

Labcorp Genetics (formerly Invitae), Labcorp
Classification: Uncertain significance. Last evaluated: 2025-08-20. Review status: criteria provided, single submitter. Criteria: Invitae Variant Classification Sherloc (09022015). Collection method: clinical testing. Allele origin: germline.
Comment: This sequence change replaces glutamic acid, which is acidic and polar, with lysine, which is basic and polar, at codon 357 of the MBD4 protein (p.Glu357Lys). This variant is present in population databases (no rsID available, gnomAD 0.01%). This variant has not been reported in the literature in individuals affected with MBD4-related conditions. ClinVar contains an entry for this variant (Variation ID: 2221495). An algorithm developed to predict the effect of missense changes on protein structure and function outputs the following: PolyPhen-2: "Possibly Damaging". The lysine amino acid residue is found in multiple mammalian species, which suggests that this missense change does not adversely affect protein function. In summary, the available evidence is currently insufficient to determine the role of this variant in disease. Therefore, it has been classified as a Variant of Uncertain Significance.

Ambry Genetics
Classification: Uncertain significance for Inborn genetic diseases. Last evaluated: 2022-03-29. Review status: criteria provided, single submitter. Criteria: Ambry Variant Classification Scheme 2023. Collection method: clinical testing. Allele origin: germline.

NM_001276270.2(MBD4):c.1069G>A (p.Glu357Lys)

Gene: MBD4 (methyl-CpG binding domain 4, DNA glycosylase; minus strand). Cytogenetic location: 3q21.3.
Variant type: single nucleotide variant.
Coding change: c.1069G>A on transcript NM_001276270.2 (MANE Select); coding-DNA position 1069, G replaced by A.
Protein change: p.Glu357Lys; replaces glutamic acid 357 with lysine.
Molecular consequence: missense variant. On other transcripts: intron variant (1).
Genome position (GRCh38, 1-based): chr3:129,436,575, C>T on the plus strand (G>A on the coding strand, the complement: MBD4 is on the minus strand). VCF-style: chr3-129436575-C-T. GRCh37 (hg19) VCF-style: chr3-129155418-C-T.
Other names: c.1069G>A, p.Glu357Lys (NM_001276271.2, NM_001276272.2, NM_003925.3); c.247+1233G>A (NM_001276273.2); short protein forms E357K.
Identifiers: ClinVar variation 2221495 (VCV002221495.4), dbSNP rs1379079004, ClinGen allele CA354466621.